The following is an entry in ClinVar:

NM_001369268.1(ACAN):c.1129T>C (p.Trp377Arg)

Gene: ACAN (aggrecan; plus strand). Cytogenetic location: 15q26.1.
Variant type: single nucleotide variant.
Coding change: c.1129T>C on transcript NM_001369268.1 (MANE Select); coding-DNA position 1129, T replaced by C.
Protein change: p.Trp377Arg; replaces tryptophan 377 with arginine.
Molecular consequence: missense variant.
Genome position (GRCh38, 1-based): chr15:88,845,582, T>C. VCF-style: chr15-88845582-T-C. GRCh37 (hg19) VCF-style: chr15-89388813-T-C.
Other names: c.1129T>C, p.Trp377Arg (NM_001135.4, NM_001411096.1, NM_001411097.1 and 1 more transcripts); short protein forms W377R.
Identifiers: ClinVar variation 4691169 (VCV004691169.1).

ClinVar aggregate classification (germline): Uncertain significance (1 of 4 stars; one submission).

gnomAD v4.1: 5 of 1,613,898 alleles (0.00031%); highest among the groups gnomAD compares: Non-Finnish European, 0.00042%; no homozygotes.

Submission:

Labcorp Genetics (formerly Invitae), Labcorp
Classification: Uncertain significance. Last evaluated: 2025-12-15. Review status: criteria provided, single submitter. Criteria: Invitae Variant Classification Sherloc (09022015). Collection method: clinical testing. Allele origin: germline.
Comment: This sequence change replaces tryptophan, which is neutral and slightly polar, with arginine, which is basic and polar, at codon 377 of the ACAN protein (p.Trp377Arg). This variant is present in population databases (rs776758695, gnomAD 0.002%). This variant has not been reported in the literature in individuals affected with ACAN-related conditions. Invitae Evidence Modeling of protein sequence and biophysical properties (such as structural, functional, and spatial information, amino acid conservation, physicochemical variation, residue mobility, and thermodynamic stability) indicates that this missense variant is not expected to disrupt ACAN protein function with a negative predictive value of 80%. In summary, the available evidence is currently insufficient to determine the role of this variant in disease. Therefore, it has been classified as a Variant of Uncertain Significance.